The following is an entry in ClinVar:

NM_000702.4(ATP1A2):c.2751G>A (p.Thr917=)

Gene: ATP1A2 (ATPase Na+/K+ transporting subunit alpha 2; plus strand). Cytogenetic location: 1q23.2.
Variant type: single nucleotide variant.
Coding change: c.2751G>A on transcript NM_000702.4 (MANE Select); coding-DNA position 2751, G replaced by A.
Protein change: p.Thr917=; no amino-acid change (threonine 917 retained).
Molecular consequence: synonymous variant.
Genome position (GRCh38, 1-based): chr1:160,136,942, G>A. VCF-style: chr1-160136942-G-A. GRCh37 (hg19) VCF-style: chr1-160106732-G-A.
Other names: p.T917T:ACG>ACA.
Identifiers: ClinVar variation 195466 (VCV000195466.48), dbSNP rs146839867, ClinGen allele CA241895.

ClinVar aggregate classification (germline): Conflicting classifications of pathogenicity. Review status: criteria provided, conflicting classifications (1 of 4 stars). 11 submissions from 10 submitters: Uncertain significance (1); Benign (4); Likely benign (4). 2 of the submissions do not count toward it. Last evaluated 2026-09-01.

Conditions:
Inborn genetic diseases. Identifiers: MedGen C0950123, MeSH D030342.
Familial hemiplegic migraine. Identifiers: MedGen C0338484, MONDO:0000700.
Migraine, familial hemiplegic, 2. Identifiers: Orphanet 569, MedGen C1865322, MONDO:0011232, OMIM 602481.
Alternating hemiplegia of childhood 1 (AHC1). Identifiers: Orphanet 2131, MedGen C3549447, MONDO:0007087, OMIM 104290.

Allele frequency attached by ClinVar (database versions not stated): 1000 Genomes Project 0.00040; 1000 Genomes Project 30x 0.00047; gnomAD 0.00069; TOPMed 0.00072; gnomAD exomes 0.00084; ExAC 0.00091; ESP Exome Variant Server 0.00100.
gnomAD v4.1: 2,159 of 1,614,136 alleles (0.13%); highest among the groups gnomAD compares: Non-Finnish European, 0.17%; 4 homozygotes.

Submissions (11):

CeGaT Center for Human Genetics Tuebingen
Classification: Likely benign. Last evaluated: 2026-09-01. Review status: criteria provided, single submitter. Criteria: CeGaT Center For Human Genetics Tuebingen Variant Classification Criteria Version 2. Collection method: clinical testing. Allele origin: germline. Affected: yes. Observed: 10 variant alleles.
Comment: ATP1A2: BP4, BP7

Labcorp Genetics (formerly Invitae), Labcorp
Classification: Benign for Familial hemiplegic migraine. Last evaluated: 2026-02-03. Review status: criteria provided, single submitter. Criteria: Invitae Variant Classification Sherloc (09022015). Collection method: clinical testing. Allele origin: germline.

Blueprint Genetics
Classification: Likely benign. Last evaluated: 2024-10-25. Review status: criteria provided, single submitter. Criteria: ACMG Guidelines, 2015. Collection method: clinical testing. Allele origin: germline.

Illumina Laboratory Services, Illumina
Classification: Likely benign for Migraine, familial hemiplegic, 2. Last evaluated: 2018-01-13. Review status: criteria provided, single submitter. Criteria: ICSL Variant Classification Criteria 13 December 2019. Collection method: clinical testing. Allele origin: germline.
Comment: This variant was observed in the ICSL laboratory as part of a predisposition screen in an ostensibly healthy population. It had not been previously curated by ICSL or reported in the Human Gene Mutation Database (HGMD: prior to June 1st, 2018), and was therefore a candidate for classification through an automated scoring system. Utilizing variant allele frequency, disease prevalence and penetrance estimates, and inheritance mode, an automated score was calculated to assess if this variant is too frequent to cause the disease. Based on the score and internal cut-off values, a variant classified as likely benign is not then subjected to further curation. The score for this variant resulted in a classification of likely benign for this disease.

Illumina Laboratory Services, Illumina
Classification: Benign for Alternating hemiplegia of childhood 1. Last evaluated: 2018-01-13. Review status: criteria provided, single submitter. Criteria: ICSL Variant Classification Criteria 13 December 2019. Collection method: clinical testing. Allele origin: germline.
Comment: This variant was observed in the ICSL laboratory as part of a predisposition screen in an ostensibly healthy population. It had not been previously curated by ICSL or reported in the Human Gene Mutation Database (HGMD: prior to June 1st, 2018), and was therefore a candidate for classification through an automated scoring system. Utilizing variant allele frequency, disease prevalence and penetrance estimates, and inheritance mode, an automated score was calculated to assess if this variant is too frequent to cause the disease. Based on the score and internal cut-off values, a variant classified as benign is not then subjected to further curation. The score for this variant resulted in a classification of benign for this disease.

Ambry Genetics
Classification: Likely benign for Inborn genetic diseases. Last evaluated: 2017-05-31. Review status: criteria provided, single submitter. Criteria: Ambry Variant Classification Scheme 2023. Collection method: clinical testing. Allele origin: germline.

Athena Diagnostics
Classification: Benign. Last evaluated: 2016-11-30. Review status: criteria provided, single submitter. Criteria: Athena Diagnostics Criteria. Collection method: clinical testing. Allele origin: germline.

Eurofins Ntd Llc (ga)
Classification: Uncertain significance. Last evaluated: 2015-05-15. Review status: criteria provided, single submitter. Criteria: EGL Classification Definitions 2015. Collection method: clinical testing. Allele origin: germline. Observed: 1 variant allele, 1 heterozygote.

GeneDx
Classification: Benign. Last evaluated: 2014-07-07. Review status: criteria provided, single submitter. Criteria: GeneDx Variant Classification (06012015). Collection method: clinical testing. Allele origin: germline. Affected: yes.
Comment: This variant is considered likely benign or benign based on one or more of the following criteria: it is a conservative change, it occurs at a poorly conserved position in the protein, it is predicted to be benign by multiple in silico algorithms, and/or has population frequency not consistent with disease.

Clinical Genetics DNA and cytogenetics Diagnostics Lab, Erasmus MC, Erasmus Medical Center
Classification: Likely benign. Review status: no assertion criteria provided. Collection method: clinical testing. Allele origin: germline. Affected: yes. Study: VKGL Data-share Consensus. Not counted in ClinVar's aggregate classification.

Genome Diagnostics Laboratory, University Medical Center Utrecht
Classification: Likely benign. Review status: no assertion criteria provided. Collection method: clinical testing. Allele origin: germline. Affected: yes. Study: VKGL Data-share Consensus. Not counted in ClinVar's aggregate classification.